The following is an entry in ClinVar:

NM_001098511.3(KIF2A):c.1028-9T>A

Gene: KIF2A (kinesin family member 2A; plus strand). Cytogenetic location: 5q12.1.
Variant type: single nucleotide variant.
Coding change: c.1028-9T>A on transcript NM_001098511.3 (MANE Select); 9 bases into the intron before coding-DNA position 1028, T replaced by A.
Molecular consequence: intron variant.
Genome position (GRCh38, 1-based): chr5:62,362,441, T>A. VCF-style: chr5-62362441-T-A. GRCh37 (hg19) VCF-style: chr5-61658268-T-A.
Other names: c.947-9T>A (NM_001243952.2); c.1028-9T>A (NM_004520.5); c.971-9T>A (NM_001243953.2).
Identifiers: ClinVar variation 4731928 (VCV004731928.1).
Genomic context (GRCh38, chr5:62,362,441, plus strand): 5'-AGAAAATTTGAGTTGCTTTTTAAAAATATTTGTTGGATCTCAATTTTCTGTATATGAAAT[T>A]TTTGACAGCTCGAGATGTCTTTTTAATGCTAAAGAAGCCAAACTATAAGAAGCTAGAACT-3'

ClinVar aggregate classification (germline): Uncertain significance (1 of 4 stars; one submission).

Submission:

Labcorp Genetics (formerly Invitae), Labcorp
Classification: Uncertain significance. Last evaluated: 2025-11-25. Review status: criteria provided, single submitter. Criteria: Invitae Variant Classification Sherloc (09022015). Collection method: clinical testing. Allele origin: germline.
Comment: This sequence change falls in intron 11 of the KIF2A gene. It does not directly change the encoded amino acid sequence of the KIF2A protein. This variant is not present in population databases (gnomAD no frequency). This variant has not been reported in the literature in individuals affected with KIF2A-related conditions. Algorithms developed to predict the effect of sequence changes on RNA splicing suggest that this variant may create or strengthen a splice site. In summary, the available evidence is currently insufficient to determine the role of this variant in disease. Therefore, it has been classified as a Variant of Uncertain Significance.